The following is an entry in ClinVar:

ClinVar aggregate classification (germline): Pathogenic. Review status: criteria provided, multiple submitters, no conflicts (2 of 4 stars). 11 submissions from 11 submitters: Pathogenic (8). 3 of the submissions do not count toward it. Last evaluated 2025-02-19.

Conditions:
Inborn genetic diseases. Identifiers: MedGen C0950123, MeSH D030342.
Arthrogryposis- oculomotor limitation-electroretinal anomalies syndrome. Also called: ARTHROGRYPOSIS, DISTAL, TYPE 5; ARTHROGRYPOSIS WITH OCULOMOTOR LIMITATION AND ELECTRORETINAL ABNORMALITIES; ARTHROGRYPOSIS, DISTAL, TYPE IIB. Identifiers: Orphanet 1154, MedGen C1862472, MONDO:0007158, OMIM 108145.
Distal arthrogryposis. Identifiers: Orphanet 97120, MedGen C0265213, MONDO:0019942, HP:0005684.
PIEZO2-related disorder. Also called: PIEZO2-related disorders; PIEZO2-related condition.
Gordon syndrome (DA3). Also called: ARTHROGRYPOSIS MULTIPLEX CONGENITA, DISTAL, TYPE IIA; CAMPTODACTYLY, CLEFT PALATE, AND CLUBFOOT; Gordon's syndrome. Identifiers: Orphanet 376, MedGen C0220666, MONDO:0007252, OMIM 114300.

Submissions (11):

3billion
Classification: Pathogenic for Arthrogryposis- oculomotor limitation-electroretinal anomalies syndrome. Last evaluated: 2025-02-19. Review status: criteria provided, single submitter. Criteria: ACMG Guidelines, 2015. Collection method: clinical testing. Allele origin: germline. Affected: yes.
Comment: The variant is observed at an extremely low frequency in the gnomAD v4.1.0 dataset (total allele frequency: <0.001%). Predicted Consequence/Location: Inframe deletion located in a nonrepeat region: predicted to change the length of the protein and disrupt normal protein function. Functional studies provide strong evidence of the variant having a damaging effect on the gene or gene product (PMID: 23487782). The variant has been observed in multiple (>3) similarly affected unrelated individuals (PMID: 23487782, 24726473). The variant has been previously reported as assumed (i.e. paternity and maternity not confirmed) de novo in at least one similarly affected unrelated individual (PMID: 23487782). The variant has been reported to co-segregate with the disease in at least 3 similarly affected relatives/individuals in the same family or similarly affected unrelated families (PMID: 24726473). The variant has been reported at least twice as pathogenic with clinical assertions and evidence for the classification (ClinVar ID: VCV000235839 /PMID: 23487782). Therefore, this variant is classified as Pathogenic according to the recommendation of ACMG/AMP guideline.

Ambry Genetics
Classification: Pathogenic for Inborn genetic diseases. Last evaluated: 2024-06-18. Review status: criteria provided, single submitter. Criteria: Ambry Variant Classification Scheme 2023. Collection method: clinical testing. Allele origin: germline.
Comment: The c.8181_8183delAGA (p.E2727del) alteration, located in exon coding 52 of the PIEZO2 gene, results from an in-frame deletion at nucleotide positions c.8181 to c.8183. This results in the deletion of a glutamic acid residue at codon p.2727. for autosomal dominant PIEZO2-related distal arthrogryposis; however, its clinical significance for autosomal recessive PIEZO2-related distal arthrogryposis is uncertain. This variant was not reported in population-based cohorts in the Genome Aggregation Database (gnomAD). This variant has been determined to be the result of a de novo mutation in multiple individuals with features consistent with autosomal dominant PIEZO2-related distal arthrogryposis. It has also been shown to segregate with disease in affected families (Coste, 2013; McMillin, 2014). This amino acid position is highly conserved in available vertebrate species. In an electrophysiological study, this variant showed a functionally abnormal result (Coste, 2013). This alteration is predicted to be deleterious by in silico analysis (Choi, 2012). Based on the available evidence, this alteration is classified as pathogenic.

GeneDx
Classification: Pathogenic. Last evaluated: 2022-10-28. Review status: criteria provided, single submitter. Criteria: GeneDx Variant Classification Process June 2021. Collection method: clinical testing. Allele origin: germline. Affected: yes.
Comment: In-frame deletion of 1 amino acid in a non-repeat region; Published functional studies demonstrate a damaging effect on ion channel inactivation, as human cells with the E2727del variant had slower inactivation and faster recovery in response to a mechanical stimulus, suggesting a gain-of-function effect (Coste et al., 2013); Not observed at significant frequency in large population cohorts (gnomAD); In silico analysis supports a deleterious effect on protein structure/function; This variant is associated with the following publications: (PMID: 26259784, 24532247, 23487782, 31965297, 30131872, 31230720, 28974772, 30169785, 27743844, 30988732, 28636944, 35906671, 35698866, 34203046, 11146470, 17345626, Ma2022[Preprint], 27535533, 24726473)

Clinical Genetics Laboratory, Skane University Hospital Lund
Classification: Pathogenic. Last evaluated: 2022-07-13. Review status: criteria provided, single submitter. Criteria: ACMG Guidelines, 2015. Collection method: clinical testing. Allele origin: germline. Affected: yes.

Blueprint Genetics
Classification: Pathogenic for PIEZO2-related disorders. Last evaluated: 2021-11-17. Review status: criteria provided, single submitter. Criteria: ACMG Guidelines, 2015. Collection method: clinical testing. Allele origin: germline. Affected: yes. Observed: 3 variant alleles.

CeGaT Center for Human Genetics Tuebingen
Classification: Pathogenic. Last evaluated: 2016-12-01. Review status: criteria provided, single submitter. Criteria: CeGaT Center For Human Genetics Tuebingen Variant Classification Criteria Version 2. Collection method: clinical testing. Allele origin: germline. Affected: yes. Observed: 1 variant allele.

Centre for Mendelian Genomics, University Medical Centre Ljubljana
Classification: Pathogenic for Distal arthrogryposis. Last evaluated: 2014-05-16. Review status: criteria provided, single submitter. Criteria: ACMG Guidelines, 2015. Collection method: clinical testing. Allele origin: unknown. Affected: yes.

Neuberg Centre For Genomic Medicine, NCGM
Classification: Pathogenic for Arthrogryposis- oculomotor limitation-electroretinal anomalies syndrome. Review status: criteria provided, single submitter. Criteria: ACMG Guidelines, 2015. Collection method: clinical testing. Allele origin: germline. Inheritance: Autosomal dominant inheritance. Affected: yes.
Comment: The inframe deletion variant c.8520_8522del (p.Glu2840del) in PIEZO2 gene has been reported previously as a de novo variant in multiple individuals with distal arthrogryposis type 5 (Coste et al., 2013; McMillin et al, 2014). Functional studies demonstrate that the c.8181_8183delAGA variant is associated with increased channel activity in response to repetitive mechanical signals (Coste et al., 2013).This variant has been reported to the ClinVar database as Pathogenic. The p.Glu2840del variant is novel (not in any individuals) in gnomAD Exomes and 1000 Genomes. This p.Glu2840del causes deletion of amino acid Glutamic Acid at position 2840. This variant is predicted to cause loss of normal protein function. Loss of function variants have been previously reported to be disease causing. For these reasons, this variant has been classified as Pathogenic.

University of Washington Center for Mendelian Genomics, University of Washington
Classification: Pathogenic for Arthrogryposis- oculomotor limitation-electroretinal anomalies syndrome. Last evaluated: 2014-06-04. Review status: no assertion criteria provided. Collection method: research. Allele origin: de novo. Affected: yes. Not counted in ClinVar's aggregate classification.

OMIM
Classification: Pathogenic for ARTHROGRYPOSIS, DISTAL, TYPE 5. Last evaluated: 2014-05-01. Review status: no assertion criteria provided. Collection method: literature only. Allele origin: germline. Not counted in ClinVar's aggregate classification.

Lupski Lab, Baylor-Hopkins CMG, Baylor College of Medicine
Classification: Pathogenic for Gordon syndrome. Review status: no assertion criteria provided. Collection method: research. Allele origin: de novo. Inheritance: Autosomal dominant inheritance. Affected: yes. Observed: 1 variant allele, 1 heterozygote. Not counted in ClinVar's aggregate classification.

Literature cited by the submitters: PubMed 23487782 (cited by 3 submitters); PubMed 24726473 (cited by 4 submitters); PubMed 11146470 (cited by OMIM); PubMed 17345626 (cited by OMIM).

NM_001378183.1(PIEZO2):c.8514AGA[2] (p.Glu2840del)

Gene: PIEZO2 (piezo type mechanosensitive ion channel component 2; minus strand). Cytogenetic location: 18p11.22.
Variant type: Microsatellite.
Coding change: c.8514AGA[2] on transcript NM_001378183.1 (MANE Select); two copies in a row of the 3-base unit AGA starting at c.8514; the reference has three copies in a row; one copy, 3 bases deleted; also written c.8520_8522del.
Protein change: p.Glu2840del; deletes glutamic acid 2840.
Molecular consequence: inframe deletion.
Genome position (GRCh38, 1-based): chr18:10,671,603-10,671,605, TCT deleted on the plus strand (AGA on the coding strand, the reverse complement: PIEZO2 is on the minus strand); deleting any 3 consecutive bases within chr18:10,671,603-10,671,611 gives the same sequence; the position shown is the placement nearest the transcript's 3' end. VCF-style (leftmost placement, unchanged base first): chr18-10671602-ATCT-A. GRCh37 (hg19) VCF-style: chr18-10671599-ATCT-A.
Other names: c.8181_8183del (NM_022068.3, NM_022068.2); c.8175AGA[2], p.Glu2727del (NM_022068.4); c.8520_8522del (NM_001378183.1); short protein forms E2727del, E2840del.
Identifiers: ClinVar variation 235839 (VCV000235839.50), dbSNP rs1555621138, ClinGen allele CA149688.